The following is an entry in ClinVar:

NM_001164508.2(NEB):c.4235A>T (p.Tyr1412Phe)

Gene: NEB (nebulin; minus strand). Cytogenetic location: 2q23.3.
Variant type: single nucleotide variant.
Coding change: c.4235A>T on transcript NM_001164508.2 (MANE Select); coding-DNA position 4235, A replaced by T.
Protein change: p.Tyr1412Phe; replaces tyrosine 1412 with phenylalanine.
Molecular consequence: missense variant.
Genome position (GRCh38, 1-based): chr2:151,672,433, T>A on the plus strand (A>T on the coding strand, the complement: NEB is on the minus strand). VCF-style: chr2-151672433-T-A. GRCh37 (hg19) VCF-style: chr2-152528947-T-A.
Other names: c.4235A>T, p.Tyr1412Phe (NM_001164507.2, NM_001271208.2, NM_004543.5); short protein forms Y1412F.
Identifiers: ClinVar variation 2073612 (VCV002073612.4), dbSNP rs1441898075, ClinGen allele CA348816501.

ClinVar aggregate classification (germline): Uncertain significance. Review status: criteria provided, multiple submitters, no conflicts (2 of 4 stars). 2 submissions from 2 submitters: Uncertain significance (2). Last evaluated 2022-06-15.

Conditions:
Nemaline myopathy 2 (NEM2). Also called: Nemaline myopathy 2, autosomal recessive. Identifiers: MedGen C1850569, MONDO:0009725, OMIM 256030.

Allele frequency attached by ClinVar (database versions not stated): gnomAD exomes below 0.00001; gnomAD 0.00001.
gnomAD v4.1: 3 of 1,613,860 alleles (0.00019%); highest among the groups gnomAD compares: Admixed American, 0.005%; no homozygotes.

Submissions (2):

Labcorp Genetics (formerly Invitae), Labcorp
Classification: Uncertain significance for Nemaline myopathy 2. Last evaluated: 2022-06-15. Review status: criteria provided, single submitter. Criteria: Invitae Variant Classification Sherloc (09022015). Collection method: clinical testing. Allele origin: germline.
Comment: This sequence change replaces tyrosine, which is neutral and polar, with phenylalanine, which is neutral and non-polar, at codon 1412 of the NEB protein (p.Tyr1412Phe). This variant is present in population databases (no rsID available, gnomAD 0.1%). This variant has not been reported in the literature in individuals affected with NEB-related conditions. Algorithms developed to predict the effect of missense changes on protein structure and function are either unavailable or do not agree on the potential impact of this missense change (SIFT: "Deleterious"; PolyPhen-2: "Not Available"; Align-GVGD: "Class C0"). In summary, the available evidence is currently insufficient to determine the role of this variant in disease. Therefore, it has been classified as a Variant of Uncertain Significance.

Revvity Omics, Revvity
Classification: Uncertain significance. Last evaluated: 2020-10-21. Review status: criteria provided, single submitter. Criteria: ACMG Guidelines, 2015. Collection method: clinical testing. Allele origin: germline.